The following is an entry in ClinVar:

NM_005458.8(GABBR2):c.667G>A (p.Asp223Asn)

Genes: GABBR2 (gamma-aminobutyric acid type B receptor subunit 2; minus strand), LOC126860700 (CDK7 strongly-dependent group 2 enhancer GRCh37_chr9:101257622-101258821; plus strand). Cytogenetic location: 9q22.33.
Variant type: single nucleotide variant.
Coding change: c.667G>A on transcript NM_005458.8 (MANE Select); coding-DNA position 667, G replaced by A.
Protein change: p.Asp223Asn; replaces aspartic acid 223 with asparagine.
Molecular consequence: missense variant.
Genome position (GRCh38, 1-based): chr9:98,496,478, C>T on the plus strand (G>A on the coding strand, the complement: GABBR2 is on the minus strand). VCF-style: chr9-98496478-C-T. GRCh37 (hg19) VCF-style: chr9-101258760-C-T.
Other names: short protein forms D223N.
Identifiers: ClinVar variation 2187950 (VCV002187950.18), dbSNP rs879519199, ClinGen allele CA374349319.
Genomic context (GRCh38, chr9:98,496,478, plus strand): 5'-GCTTTTTGACACTGGTACAGGGATCGTTGGAGAAGCTCTCGGTGTCTGAAATCTCAATGT[C>T]CTCGCCATACAGAACTCCAGTCAGGTCATTCCGCACCTGTCAGCAAAGAGAAAGCAGAGG-3'
Protein context (NP_005449.5, residues 213-233): NDLTGVLYGE[Asp223Asn]IEISDTESFS

ClinVar aggregate classification (germline): Uncertain significance. Review status: criteria provided, multiple submitters, no conflicts (2 of 4 stars). 2 submissions from 2 submitters: Uncertain significance (2). Last evaluated 2025-12-19.

Conditions:
Epileptic encephalopathy. Identifiers: MedGen C0543888, HP:0200134.

Allele frequency attached by ClinVar (database versions not stated): gnomAD 0.00001.
gnomAD v4.1: 2 of 1,613,018 alleles (0.00012%); highest among the groups gnomAD compares: African/African-American, 0.0013%; no homozygotes.

Submissions (2):

Labcorp Genetics (formerly Invitae), Labcorp
Classification: Uncertain significance for Epileptic encephalopathy. Last evaluated: 2025-12-19. Review status: criteria provided, single submitter. Criteria: Invitae Variant Classification Sherloc (09022015). Collection method: clinical testing. Allele origin: germline.
Comment: This sequence change replaces aspartic acid, which is acidic and polar, with asparagine, which is neutral and polar, at codon 223 of the GABBR2 protein (p.Asp223Asn). This variant is not present in population databases (gnomAD no frequency). This variant has not been reported in the literature in individuals affected with GABBR2-related conditions. ClinVar contains an entry for this variant (Variation ID: 2187950). Invitae Evidence Modeling of protein sequence and biophysical properties (such as structural, functional, and spatial information, amino acid conservation, physicochemical variation, residue mobility, and thermodynamic stability) indicates that this missense variant is not expected to disrupt GABBR2 protein function with a negative predictive value of 80%. In summary, the available evidence is currently insufficient to determine the role of this variant in disease. Therefore, it has been classified as a Variant of Uncertain Significance.

CeGaT Center for Human Genetics Tuebingen
Classification: Uncertain significance. Last evaluated: 2024-10-01. Review status: criteria provided, single submitter. Criteria: CeGaT Center For Human Genetics Tuebingen Variant Classification Criteria Version 2. Collection method: clinical testing. Allele origin: germline. Affected: yes. Observed: 1 variant allele.
Comment: GABBR2: PP2